The following is an entry in ClinVar:

ClinVar aggregate classification (germline): Uncertain significance (1 of 4 stars; one submission).

Conditions:
Familial thoracic aortic aneurysm and aortic dissection (TAAD). Also called: Thoracic aortic aneurysms and dissections. Identifiers: Orphanet 91387, MedGen C4707243, MONDO:0019625.

gnomAD v4.1: 1 of 1,614,182 alleles (0.000062%); highest among the groups gnomAD compares: African/African-American, 0.0013%; no homozygotes.

Submission:

Ambry Genetics
Classification: Uncertain significance for Familial thoracic aortic aneurysm and aortic dissection. Last evaluated: 2025-01-16. Review status: criteria provided, single submitter. Criteria: Ambry Variant Classification Scheme 2023. Collection method: clinical testing. Allele origin: germline.
Comment: The p.V722I variant (also known as c.2164G>A), located in coding exon 19 of the PLOD1 gene, results from a G to A substitution at nucleotide position 2164. The valine at codon 722 is replaced by isoleucine, an amino acid with highly similar properties. This amino acid position is conserved. In addition, the in silico prediction for this alteration is inconclusive. Based on the available evidence, the clinical significance of this variant remains unclear.

NM_000302.4(PLOD1):c.2164G>A (p.Val722Ile)

Gene: PLOD1 (procollagen-lysine,2-oxoglutarate 5-dioxygenase 1; plus strand). Cytogenetic location: 1p36.22.
Variant type: single nucleotide variant.
Coding change: c.2164G>A on transcript NM_000302.4 (MANE Select); coding-DNA position 2164, G replaced by A.
Protein change: p.Val722Ile; replaces valine 722 with isoleucine.
Molecular consequence: missense variant.
Genome position (GRCh38, 1-based): chr1:11,974,788, G>A. VCF-style: chr1-11974788-G-A. GRCh37 (hg19) VCF-style: chr1-12034845-G-A.
Other names: c.2305G>A, p.Val769Ile (NM_001316320.2); short protein forms V722I, V769I.
Identifiers: ClinVar variation 3890558 (VCV003890558.1).
Genomic context (GRCh38, chr1:11,974,788, plus strand): 5'-GGACGACTCACGCATTACCATGAGGGGCTCCCCACCACCAGGGGCACCCGCTACATCGCA[G>A]TCTCCTTCGTCGATCCCTAATTGGCCAGGCCTGACCCTCTTGGACCTTTCTTCTTTGCCG-3'
Protein context (NP_000293.2, residues 712-727): PTTRGTRYIA[Val722Ile]SFVDP